The following is an entry in ClinVar:

ClinVar aggregate classification (germline): Pathogenic (1 of 4 stars; one submission).

Conditions:
Hereditary nonpolyposis colorectal neoplasms. Identifiers: MedGen C0009405, MeSH D003123.

Submission:

Labcorp Genetics (formerly Invitae), Labcorp
Classification: Pathogenic for Hereditary nonpolyposis colorectal neoplasms. Last evaluated: 2021-05-18. Review status: criteria provided, single submitter. Criteria: Invitae Variant Classification Sherloc (09022015). Collection method: clinical testing. Allele origin: germline.
Comment: For these reasons, this variant has been classified as Pathogenic. This variant is not present in population databases (ExAC no frequency). This sequence change creates a premature translational stop signal (p.Val480Hisfs*11) in the MSH6 gene. It is expected to result in an absent or disrupted protein product. Loss-of-function variants in MSH6 are known to be pathogenic (PMID: 18269114, 24362816). This variant has not been reported in the literature in individuals with MSH6-related conditions.

Literature cited by the submitters: PubMed 18269114; PubMed 24362816.

NM_000179.3(MSH6):c.1438_1441del (p.Val480fs)

Gene: MSH6 (mutS homolog 6; plus strand). Cytogenetic location: 2p16.3.
Variant type: Deletion.
Coding change: c.1438_1441del on transcript NM_000179.3 (MANE Select); coding-DNA positions 1438 to 1441, 4 bases deleted (GTAG; older notation c.1438_1441delGTAG).
Protein change: p.Val480fs; shifts the reading frame from valine 480.
Molecular consequence: frameshift variant.
Genome position (GRCh38, 1-based): chr2:47,799,421-47,799,424, GTAG deleted. VCF-style (leftmost placement, unchanged base first): chr2-47799420-AGTAG-A. GRCh37 (hg19) VCF-style: chr2-48026559-AGTAG-A.
Other names: c.1048_1051del, p.Val350fs (NM_001281492.2); c.532_535del, p.Val178fs (NM_001281493.2, NM_001281494.2); short protein forms V350fs, V480fs, V178fs.
Identifiers: ClinVar variation 1452926 (VCV001452926.6), dbSNP rs2104344199, ClinGen allele CA2573134921.